The following is an entry in ClinVar:

ClinVar aggregate classification (germline): Uncertain significance (1 of 4 stars; one submission).

Conditions:
Baller-Gerold syndrome (BGS). Also called: CRANIOSYNOSTOSIS WITH RADIAL DEFECTS. Identifiers: Orphanet 1225, MedGen C0265308, MONDO:0009039, OMIM 218600.

gnomAD v4.1: 2 of 1,574,612 alleles (0.00013%); highest among the groups gnomAD compares: Non-Finnish European, 0.000086%; no homozygotes.

Submission:

Labcorp Genetics (formerly Invitae), Labcorp
Classification: Uncertain significance for Baller-Gerold syndrome. Last evaluated: 2022-02-10. Review status: criteria provided, single submitter. Criteria: Invitae Variant Classification Sherloc (09022015). Collection method: clinical testing. Allele origin: germline.
Comment: In summary, the available evidence is currently insufficient to determine the role of this variant in disease. Therefore, it has been classified as a Variant of Uncertain Significance. Algorithms developed to predict the effect of missense changes on protein structure and function output the following: SIFT: "Not Available"; PolyPhen-2: "Not Available"; Align-GVGD: "Not Available". The glycine amino acid residue is found in multiple mammalian species, which suggests that this missense change does not adversely affect protein function. ClinVar contains an entry for this variant (Variation ID: 653065). This variant has not been reported in the literature in individuals affected with RECQL4-related conditions. This variant is not present in population databases (gnomAD no frequency). This sequence change replaces alanine, which is neutral and non-polar, with glycine, which is neutral and non-polar, at codon 653 of the RECQL4 protein (p.Ala653Gly).

NM_004260.4(RECQL4):c.1958C>G (p.Ala653Gly)

Gene: RECQL4 (RecQ like helicase 4; minus strand). Cytogenetic location: 8q24.3.
Variant type: single nucleotide variant.
Coding change: c.1958C>G on transcript NM_004260.4 (MANE Select); coding-DNA position 1958, C replaced by G.
Protein change: p.Ala653Gly; replaces alanine 653 with glycine.
Molecular consequence: missense variant.
Genome position (GRCh38, 1-based): chr8:144,514,028, G>C on the plus strand (C>G on the coding strand, the complement: RECQL4 is on the minus strand). VCF-style: chr8-144514028-G-C. GRCh37 (hg19) VCF-style: chr8-145739412-G-C.
Other names: short protein forms A653G.
Identifiers: ClinVar variation 653065 (VCV000653065.5), dbSNP rs1478522762, ClinGen allele CA372680414.